The following is an entry in ClinVar:

NM_000186.4(CFH):c.1150C>T (p.Pro384Ser)

Gene: CFH (complement factor H; plus strand). Cytogenetic location: 1q31.3.
Variant type: single nucleotide variant.
Coding change: c.1150C>T on transcript NM_000186.4 (MANE Select); coding-DNA position 1150, C replaced by T.
Protein change: p.Pro384Ser; replaces proline 384 with serine.
Molecular consequence: missense variant.
Genome position (GRCh38, 1-based): chr1:196,689,605, C>T. VCF-style: chr1-196689605-C-T. GRCh37 (hg19) VCF-style: chr1-196658735-C-T.
Other names: c.1150C>T, p.Pro384Ser (NM_001014975.3); short protein forms P384S.
Identifiers: ClinVar variation 4291365 (VCV004291365.2).

ClinVar aggregate classification (germline): Uncertain significance (1 of 4 stars; one submission).

Conditions:
Factor H deficiency (CFHD). Also called: COMPLEMENT FACTOR H DEFICIENCY; CFH DEFICIENCY. Identifiers: Orphanet 200421, MedGen C0398777, MONDO:0012350, OMIM 609814.

gnomAD v4.1: 7 of 1,613,336 alleles (0.00043%); highest among the groups gnomAD compares: East Asian, 0.016%; no homozygotes.

Submission:

Genomenon, Inc
Classification: Uncertain significance for Factor H deficiency. Last evaluated: 2026-09-17. Review status: criteria provided, single submitter. Criteria: Genomenon Sequence Variant Interpretation Standards - Updated. Collection method: curation. Allele origin: germline. Affected: yes.
Comment: CFH p.Pro384Ser (c.1150C>T) is a missense variant that changes the amino acid at codon 384 from proline to serine. This variant has been observed in at least one proband affected with complement factor H deficiency (PMID: 29566171). It is absent or not present at a significant frequency in gnomAD. In silico models predict that this variant is not damaging. In conclusion, we classify CFH p.Pro384Ser (c.1150C>T) as a variant of uncertain significance.

Literature cited by the submitters: PubMed 29566171.